The following is an entry in ClinVar:

NM_002474.3(MYH11):c.3681G>T (p.Gln1227His)

Gene: MYH11 (myosin heavy chain 11; minus strand). Cytogenetic location: 16p13.11.
Variant type: single nucleotide variant.
Coding change: c.3681G>T on transcript NM_002474.3 (MANE Select); coding-DNA position 3681, G replaced by T.
Protein change: p.Gln1227His; replaces glutamine 1227 with histidine.
Molecular consequence: missense variant.
Genome position (GRCh38, 1-based): chr16:15,727,025, C>A on the plus strand (G>T on the coding strand, the complement: MYH11 is on the minus strand). VCF-style: chr16-15727025-C-A. GRCh37 (hg19) VCF-style: chr16-15820882-C-A.
Other names: c.3702G>T, p.Gln1234His (NM_001040113.2, NM_001040114.2); c.3681G>T, p.Gln1227His (NM_022844.3); short protein forms Q1227H, Q1234H.
Identifiers: ClinVar variation 3297371 (VCV003297371.1).

ClinVar aggregate classification (germline): Uncertain significance (1 of 4 stars; one submission).

Conditions:
Familial thoracic aortic aneurysm and aortic dissection (TAAD). Also called: Thoracic aortic aneurysms and dissections. Identifiers: Orphanet 91387, MedGen C4707243, MONDO:0019625.

gnomAD v4.1: 4 of 1,611,872 alleles (0.00025%); highest among the groups gnomAD compares: South Asian, 0.0044%; no homozygotes.

Submission:

Ambry Genetics
Classification: Uncertain significance for Familial thoracic aortic aneurysm and aortic dissection. Last evaluated: 2024-06-22. Review status: criteria provided, single submitter. Criteria: Ambry Variant Classification Scheme 2023. Collection method: clinical testing. Allele origin: germline.
Comment: The p.Q1227H variant (also known as c.3681G>T), located in coding exon 27 of the MYH11 gene, results from a G to T substitution at nucleotide position 3681. The glutamine at codon 1227 is replaced by histidine, an amino acid with highly similar properties. This amino acid position is conserved. In addition, the in silico prediction for this alteration is inconclusive. Based on the available evidence, the clinical significance of this variant remains unclear.